The following is an entry in ClinVar:

ClinVar aggregate classification (germline): Uncertain significance (1 of 4 stars; one submission).

Conditions:
AFF4-related disorder. Also called: AFF4-related condition.

Submission:

PreventionGenetics, part of Exact Sciences
Classification: Uncertain significance for AFF4-related condition. Last evaluated: 2026-01-22. Review status: criteria provided, single submitter. Criteria: ACMG Guidelines, 2015. Collection method: clinical testing. Allele origin: germline.
Comment: The AFF4 c.2118T>G variant is predicted to result in the amino acid substitution p.Ser706Arg. To our knowledge, this variant has not been reported in the literature or in a large population database (gnomAD), indicating this variant is rare. At this time, the clinical significance of this variant is uncertain due to the absence of conclusive functional and genetic evidence.

NM_014423.4(AFF4):c.2118T>G (p.Ser706Arg)

Gene: AFF4 (ALF transcription elongation factor 4; minus strand). Cytogenetic location: 5q31.1.
Variant type: single nucleotide variant.
Coding change: c.2118T>G on transcript NM_014423.4 (MANE Select); coding-DNA position 2118, T replaced by G.
Protein change: p.Ser706Arg; replaces serine 706 with arginine.
Molecular consequence: missense variant.
Genome position (GRCh38, 1-based): chr5:132,896,512, A>C on the plus strand (T>G on the coding strand, the complement: AFF4 is on the minus strand). VCF-style: chr5-132896512-A-C. GRCh37 (hg19) VCF-style: chr5-132232204-A-C.
Other names: short protein forms S706R.
Identifiers: ClinVar variation 4991279 (VCV004991279.1).
Genomic context (GRCh38, chr5:132,896,512, plus strand): 5'-TATTCTAGTCAAAAGATTCAGGTCAATCTTCACAATAAGTGGGTACCTGTCATCAGGCTC[A>C]CTGAGGGGTGAAAGAAGTTCCTTCTCTTCCATAGGAGAGAACATTCGTTGCCGAAAAAAG-3'
Protein context (NP_055238.1, residues 696-716): MEEKELLSPL[Ser706Arg]EPDDRYPLIV